The following is an entry in ClinVar:

ClinVar aggregate classification (germline): Conflicting classifications of pathogenicity. Review status: criteria provided, conflicting classifications (1 of 4 stars). 3 submissions from 3 submitters: Uncertain significance (2); Benign (1). Last evaluated 2024-07-26.

Conditions:
Xeroderma pigmentosum, group F (XPF). Also called: ERCC4-Related Xeroderma Pigmentosum; XERODERMA PIGMENTOSUM VI; XP, GROUP F; XERODERMA PIGMENTOSUM, COMPLEMENTATION GROUP F; Xeroderma pigmentosum, type 6; XERODERMA PIGMENTOSUM, TYPE F. Identifiers: MedGen C0268140, MONDO:0010215, OMIM 278760.
XFE progeroid syndrome (XFEPS). Also called: XPF-ERCC1 PROGEROID SYNDROME. Identifiers: MedGen C1970416, MONDO:0012590, OMIM 610965.
Fanconi anemia complementation group Q. Identifiers: Orphanet 84, MedGen C3808988, MONDO:0014108, OMIM 615272.
Cockayne syndrome. Identifiers: Orphanet 191, MedGen C0009207, MONDO:0016006.
Ovarian cancer. Also called: OVARIAN CANCER, SOMATIC. Identifiers: Orphanet 213500, MedGen C1140680, MONDO:0008170, OMIM 167000.

Allele frequency attached by ClinVar (database versions not stated): gnomAD below 0.00001 and 0.00001; TOPMed below 0.00001; ExAC 0.00001; gnomAD exomes 0.00002.
gnomAD v4.1: 18 of 1,613,694 alleles (0.0011%); highest among the groups gnomAD compares: South Asian, 0.016%; no homozygotes.

Submissions (3):

Labcorp Genetics (formerly Invitae), Labcorp
Classification: Uncertain significance for Fanconi anemia complementation group Q; Xeroderma pigmentosum, group F; Cockayne syndrome. Last evaluated: 2024-07-26. Review status: criteria provided, single submitter. Criteria: Invitae Variant Classification Sherloc (09022015). Collection method: clinical testing. Allele origin: germline.
Comment: This sequence change replaces lysine, which is basic and polar, with isoleucine, which is neutral and non-polar, at codon 464 of the ERCC4 protein (p.Lys464Ile). This variant is present in population databases (rs780488548, gnomAD 0.02%). This variant has not been reported in the literature in individuals affected with ERCC4-related conditions. ClinVar contains an entry for this variant (Variation ID: 1003761). Advanced modeling of protein sequence and biophysical properties (such as structural, functional, and spatial information, amino acid conservation, physicochemical variation, residue mobility, and thermodynamic stability) has been performed at Invitae for this missense variant, however the output from this modeling did not meet the statistical confidence thresholds required to predict the impact of this variant on ERCC4 protein function. In summary, the available evidence is currently insufficient to determine the role of this variant in disease. Therefore, it has been classified as a Variant of Uncertain Significance.

Fulgent Genetics
Classification: Uncertain significance for Xeroderma pigmentosum, group F; XFE progeroid syndrome; Fanconi anemia complementation group Q. Last evaluated: 2024-06-04. Review status: criteria provided, single submitter. Criteria: ACMG Guidelines, 2015. Collection method: clinical testing. Allele origin: germline.

Laboratory of Molecular Epidemiology of Birth Defects, West China Second University Hospital, Sichuan University
Classification: Benign for Ovarian cancer. Last evaluated: 2022-01-01. Review status: criteria provided, single submitter. Criteria: ACMG Guidelines, 2015. Collection method: clinical testing. Allele origin: germline. Affected: yes.

NM_005236.3(ERCC4):c.1391A>T (p.Lys464Ile)

Gene: ERCC4 (ERCC excision repair 4, endonuclease catalytic subunit; plus strand). Cytogenetic location: 16p13.12.
Variant type: single nucleotide variant.
Coding change: c.1391A>T on transcript NM_005236.3 (MANE Select); coding-DNA position 1391, A replaced by T.
Protein change: p.Lys464Ile; replaces lysine 464 with isoleucine.
Molecular consequence: missense variant.
Genome position (GRCh38, 1-based): chr16:13,935,323, A>T. VCF-style: chr16-13935323-A-T. GRCh37 (hg19) VCF-style: chr16-14029180-A-T.
Other names: c.1391A>T (NM_005236.2); short protein forms K464I.
Identifiers: ClinVar variation 1003761 (VCV001003761.9), dbSNP rs780488548, ClinGen allele CA7910457.